The following is an entry in ClinVar:

ClinVar aggregate classification (germline): Uncertain significance (1 of 4 stars; one submission).

Conditions:
Emery-Dreifuss muscular dystrophy 5, autosomal dominant (EDMD5). Also called: EMERY-DREIFUSS MUSCULAR DYSTROPHY 5. Identifiers: Orphanet 261, MedGen C2751805, MONDO:0013072, OMIM 612999.

Submission:

Labcorp Genetics (formerly Invitae), Labcorp
Classification: Uncertain significance for Emery-Dreifuss muscular dystrophy 5, autosomal dominant. Last evaluated: 2025-08-29. Review status: criteria provided, single submitter. Criteria: Invitae Variant Classification Sherloc (09022015). Collection method: clinical testing. Allele origin: germline.
Comment: This variant, c.6515_6516insCCA, results in the insertion of 1 amino acid(s) of the SYNE2 protein (p.Leu2171_Gln2172insHis), but otherwise preserves the integrity of the reading frame. This variant is present in population databases (rs762837727, gnomAD 0.004%). This variant has not been reported in the literature in individuals affected with SYNE2-related conditions. In summary, the available evidence is currently insufficient to determine the role of this variant in disease. Therefore, it has been classified as a Variant of Uncertain Significance.

NM_182914.3(SYNE2):c.6515_6516insCCA (p.Leu2171_Gln2172insHis)

Gene: SYNE2 (spectrin repeat containing nuclear envelope protein 2; plus strand). Cytogenetic location: 14q23.2.
Variant type: Insertion.
Coding change: c.6515_6516insCCA on transcript NM_182914.3 (MANE Select); coding-DNA positions 6515 to 6516, CCA inserted.
Protein change: p.Leu2171_Gln2172insHis.
Molecular consequence: inframe insertion.
Genome position: GRCh38 VCF-style: chr14-64027592-A-ACAC. GRCh37 (hg19) VCF-style: chr14-64494310-A-ACAC.
Other names: c.6515_6516insCCA, p.Leu2171_Gln2172insHis (NM_015180.6).
Identifiers: ClinVar variation 4806585 (VCV004806585.1).